The following is an entry in ClinVar:

NM_005660.3(SLC35A2):c.940C>T (p.Arg314Cys)

Gene: SLC35A2 (solute carrier family 35 member A2; minus strand). Cytogenetic location: Xp11.23.
Variant type: single nucleotide variant.
Coding change: c.940C>T on transcript NM_005660.3 (MANE Select); coding-DNA position 940, C replaced by T.
Protein change: p.Arg314Cys; replaces arginine 314 with cysteine.
Molecular consequence: missense variant. On other transcripts: intron variant (3).
Genome position (GRCh38, 1-based): chrX:48,904,969, G>A on the plus strand (C>T on the coding strand, the complement: SLC35A2 is on the minus strand). VCF-style: chrX-48904969-G-A. GRCh37 (hg19) VCF-style: chrX-48762246-G-A.
Other names: c.940C>T, p.Arg314Cys (NM_001042498.3); c.757C>T, p.Arg253Cys (NM_001282649.2); c.979C>T, p.Arg327Cys (NM_001282650.2); c.1024C>T, p.Arg342Cys (NM_001282651.2); c.427-77C>T (NM_001282647.2, NM_001032289.3); c.355-77C>T (NM_001282648.2); short protein forms R314C, R253C, R327C, R342C.
Identifiers: ClinVar variation 1951228 (VCV001951228.5), dbSNP rs781992603, ClinGen allele CA10406084.

ClinVar aggregate classification (germline): Uncertain significance (1 of 4 stars; one submission).

Conditions:
SLC35A2-congenital disorder of glycosylation. Also called: CDG IIm; CONGENITAL DISORDER OF GLYCOSYLATION, TYPE IIm, SOMATIC MOSAIC; EPILEPTIC ENCEPHALOPATHY, EARLY INFANTILE, 22; DEVELOPMENTAL AND EPILEPTIC ENCEPHALOPATHY 22; CONGENITAL DISORDER OF GLYCOSYLATION, TYPE IIm; SLC35A2-CDG. Identifiers: Orphanet 356961, MedGen C3806688, MONDO:0010478, OMIM 300896.

Allele frequency attached by ClinVar (database versions not stated): ExAC 0.00001; gnomAD 0.00004; TOPMed 0.00004.

Submission:

Labcorp Genetics (formerly Invitae), Labcorp
Classification: Uncertain significance for SLC35A2-congenital disorder of glycosylation. Last evaluated: 2024-11-18. Review status: criteria provided, single submitter. Criteria: Invitae Variant Classification Sherloc (09022015). Collection method: clinical testing. Allele origin: germline.
Comment: This sequence change replaces arginine, which is basic and polar, with cysteine, which is neutral and slightly polar, at codon 314 of the SLC35A2 protein (p.Arg314Cys). This variant is present in population databases (rs781992603, gnomAD 0.006%), including at least one homozygous and/or hemizygous individual. This variant has not been reported in the literature in individuals affected with SLC35A2-related conditions. ClinVar contains an entry for this variant (Variation ID: 1951228). Invitae Evidence Modeling of protein sequence and biophysical properties (such as structural, functional, and spatial information, amino acid conservation, physicochemical variation, residue mobility, and thermodynamic stability) indicates that this missense variant is not expected to disrupt SLC35A2 protein function with a negative predictive value of 80%. In summary, the available evidence is currently insufficient to determine the role of this variant in disease. Therefore, it has been classified as a Variant of Uncertain Significance.